The following is an entry in ClinVar:

NM_005751.5(AKAP9):c.10197T>C (p.Thr3399=)

Gene: AKAP9 (A-kinase anchoring protein 9; plus strand). Cytogenetic location: 7q21.2.
Variant type: single nucleotide variant.
Coding change: c.10197T>C on transcript NM_005751.5 (MANE Select); coding-DNA position 10197, T replaced by C.
Protein change: p.Thr3399=; no amino-acid change (threonine 3399 retained).
Molecular consequence: synonymous variant.
Genome position (GRCh38, 1-based): chr7:92,097,156, T>C. VCF-style: chr7-92097156-T-C. GRCh37 (hg19) VCF-style: chr7-91726470-T-C.
Other names: c.4842T>C, p.Thr1614= (NM_001379277.1); c.10173T>C, p.Thr3391= (NM_147185.3).
Identifiers: ClinVar variation 215511 (VCV000215511.66), dbSNP rs143627839, ClinGen allele CA337953.

ClinVar aggregate classification (germline): Benign/Likely benign. Review status: criteria provided, multiple submitters, no conflicts (2 of 4 stars). 10 submissions from 10 submitters: Benign (4); Likely benign (4). 2 of the submissions do not count toward it. Last evaluated 2026-01-27.

Conditions:
Cardiovascular phenotype. Identifiers: MedGen CN230736.
Long QT syndrome (LQTS). Identifiers: MedGen C0023976, MeSH D008133, MONDO:0002442. Disease mechanism: loss of function. Inheritance: Various modes of inheritance.
Long QT syndrome 11 (LQT11). Identifiers: Orphanet 101016, Orphanet 768, MedGen C2678483, MONDO:0012738, OMIM 611820.

Allele frequency attached by ClinVar (database versions not stated): 1000 Genomes Project 30x 0.00094; 1000 Genomes Project 0.00100; gnomAD exomes 0.00129 and 0.00239; ExAC 0.00136; gnomAD 0.00145 and 0.00148; TOPMed 0.00145; ESP Exome Variant Server 0.00223.
gnomAD v4.1: 3,662 of 1,614,006 alleles (0.23%); highest among the groups gnomAD compares: Non-Finnish European, 0.29%; 4 homozygotes.

Submissions (10):

Labcorp Genetics (formerly Invitae), Labcorp
Classification: Benign for Long QT syndrome. Last evaluated: 2026-01-27. Review status: criteria provided, single submitter. Criteria: Invitae Variant Classification Sherloc (09022015). Collection method: clinical testing. Allele origin: germline.

CeGaT Center for Human Genetics Tuebingen
Classification: Likely benign. Last evaluated: 2025-04-01. Review status: criteria provided, single submitter. Criteria: CeGaT Center For Human Genetics Tuebingen Variant Classification Criteria Version 2. Collection method: clinical testing. Allele origin: germline. Affected: yes. Observed: 2 variant alleles.
Comment: AKAP9: BP4, BP7

Blueprint Genetics
Classification: Likely benign. Last evaluated: 2024-11-07. Review status: criteria provided, single submitter. Criteria: ACMG Guidelines, 2015. Collection method: clinical testing. Allele origin: germline.

Women's Health and Genetics/Laboratory Corporation of America, LabCorp
Classification: Benign. Last evaluated: 2024-03-03. Review status: criteria provided, single submitter. Criteria: LabCorp Variant Classification Summary - May 2015. Collection method: clinical testing. Allele origin: germline.

Genome-Nilou Lab
Classification: Benign for Long QT syndrome 11. Last evaluated: 2021-12-05. Review status: criteria provided, single submitter. Criteria: ACMG Guidelines, 2015. Collection method: clinical testing. Allele origin: germline. Affected: no.

ARUP Laboratories, Molecular Genetics and Genomics, ARUP Laboratories
Classification: Likely benign for Long QT syndrome 11. Last evaluated: 2019-08-09. Review status: criteria provided, single submitter. Criteria: ARUP Molecular Germline Variant Investigation Process. Collection method: clinical testing. Allele origin: germline.

Ambry Genetics
Classification: Likely benign for Cardiovascular phenotype. Last evaluated: 2016-02-17. Review status: criteria provided, single submitter. Criteria: Ambry Variant Classification Scheme 2023. Collection method: clinical testing. Allele origin: germline.

GeneDx
Classification: Benign. Last evaluated: 2015-03-03. Review status: criteria provided, single submitter. Criteria: GeneDx Variant Classification Process June 2021. Collection method: clinical testing. Allele origin: germline. Affected: yes.

Clinical Genetics, Academic Medical Center
Classification: Benign. Review status: no assertion criteria provided. Collection method: clinical testing. Allele origin: germline. Affected: yes. Study: VKGL Data-share Consensus. Not counted in ClinVar's aggregate classification.

Joint Genome Diagnostic Labs from Nijmegen and Maastricht, Radboudumc and MUMC+
Classification: Benign. Review status: no assertion criteria provided. Collection method: clinical testing. Allele origin: germline. Affected: yes. Study: VKGL Data-share Consensus. Not counted in ClinVar's aggregate classification.